The following is an entry in ClinVar:

NM_001018005.2(TPM1):c.851+6C>T

Gene: TPM1 (tropomyosin 1; plus strand). Cytogenetic location: 15q22.2.
Variant type: single nucleotide variant.
Coding change: c.851+6C>T on transcript NM_001018005.2 (MANE Select); 6 bases into the intron after coding-DNA position 851, C replaced by T.
Molecular consequence: intron variant. On other transcripts: 3 prime UTR variant (4).
Genome position (GRCh38, 1-based): chr15:63,064,148, C>T. VCF-style: chr15-63064148-C-T. GRCh37 (hg19) VCF-style: chr15-63356347-C-T.
Other names: c.*2C>T (NM_000366.6, NM_001365779.1, NM_001365781.2 and 1 more transcripts); c.898+1503C>T (NM_001365778.1); c.772+1503C>T (NM_001018020.2, NM_001018007.2, NM_001018006.2 and 3 more transcripts); c.851+6C>T (NM_001301244.2, NM_001301244.1); c.664+1503C>T (NM_001330351.2, NM_001330344.2, NM_001018008.2 and 2 more transcripts); c.743+6C>T (NM_001330346.2).
Identifiers: ClinVar variation 178149 (VCV000178149.21), dbSNP rs375043184, ClinGen allele CA017947.

ClinVar aggregate classification (germline): Likely benign. Review status: criteria provided, multiple submitters, no conflicts (2 of 4 stars). 7 submissions from 7 submitters: Likely benign (6). 1 of the submissions does not count toward it. Last evaluated 2026-02-01.

Conditions:
TPM1-related disorder. Also called: TPM1-related condition.
Cardiomyopathy (CMYO). Also called: Cardiomyopathies. Identifiers: Orphanet 167848, MedGen C0878544, MONDO:0004994, HP:0001638. Inheritance: Various modes of inheritance.
Hypertrophic cardiomyopathy. Also called: HYPERTROPHIC MYOCARDIOPATHY. Identifiers: Orphanet 217569, MedGen C0007194, MeSH D002312, MONDO:0005045, HP:0001639.

Allele frequency attached by ClinVar (database versions not stated): ESP Exome Variant Server 0.00015; TOPMed 0.00025; gnomAD 0.00027 and 0.00029.
gnomAD v4.1: 141 of 1,613,324 alleles (0.0087%); highest among the groups gnomAD compares: African/African-American, 0.088%; no homozygotes.

Submissions (7):

Labcorp Genetics (formerly Invitae), Labcorp
Classification: Likely benign for Hypertrophic cardiomyopathy. Last evaluated: 2026-02-01. Review status: criteria provided, single submitter. Criteria: Invitae Variant Classification Sherloc (09022015). Collection method: clinical testing. Allele origin: germline.

PreventionGenetics, part of Exact Sciences
Classification: Likely benign for TPM1-related condition. Last evaluated: 2025-04-17. Review status: criteria provided, single submitter. Criteria: ACMG Guidelines, 2015. Collection method: clinical testing. Allele origin: germline.
Comment: This variant is classified as likely benign based on ACMG/AMP sequence variant interpretation guidelines (Richards et al. 2015 PMID: 25741868, with internal and published modifications).

Blueprint Genetics
Classification: Likely benign. Last evaluated: 2024-08-28. Review status: criteria provided, single submitter. Criteria: ACMG Guidelines, 2015. Collection method: clinical testing. Allele origin: germline.

All of Us Research Program, National Institutes of Health
Classification: Likely benign for Hypertrophic cardiomyopathy. Last evaluated: 2023-11-28. Review status: criteria provided, single submitter. Criteria: ACMG Guidelines, 2015. Collection method: clinical testing. Allele origin: germline. Inheritance: Autosomal dominant inheritance. Observed: 15 variant alleles, 15 heterozygotes.
Comment: This study involves interpretation of variants in research participants for the purpose of population health screening. Participant phenotype was not available at the time of variant classification. Additional details can be found in publication PMID: 35346344, PMCID: PMC8962531

GeneDx
Classification: Likely benign. Last evaluated: 2021-03-17. Review status: criteria provided, single submitter. Criteria: GeneDx Variant Classification Process June 2021. Collection method: clinical testing. Allele origin: germline. Affected: yes.

Color Diagnostics, LLC DBA Color Health
Classification: Likely benign for Cardiomyopathy. Last evaluated: 2018-11-16. Review status: criteria provided, single submitter. Criteria: ACMG Guidelines, 2015. Collection method: clinical testing. Allele origin: germline.

Laboratory for Molecular Medicine, Mass General Brigham Personalized Medicine
No classification provided. Last evaluated: 2013-08-29. Review status: no classification provided. Collection method: clinical testing. Allele origin: germline. Observed: 2 variant alleles. Not counted in ClinVar's aggregate classification.